The following is an entry in ClinVar:

ClinVar aggregate classification (germline): Uncertain significance (1 of 4 stars; one submission).

gnomAD v4.1: 2 of 1,532,818 alleles (0.00013%); highest among the groups gnomAD compares: Non-Finnish European, 0.00018%; no homozygotes.

Submission:

CeGaT Center for Human Genetics Tuebingen
Classification: Uncertain significance. Last evaluated: 2025-11-01. Review status: criteria provided, single submitter. Criteria: CeGaT Center For Human Genetics Tuebingen Variant Classification Criteria Version 2. Collection method: clinical testing. Allele origin: germline. Affected: yes. Observed: 1 variant allele.
Comment: GPAM: PM2, PP3

NM_001244949.2(GPAM):c.1106T>C (p.Leu369Pro)

Gene: GPAM (glycerol-3-phosphate acyltransferase, mitochondrial; minus strand). Cytogenetic location: 10q25.2.
Variant type: single nucleotide variant.
Coding change: c.1106T>C on transcript NM_001244949.2 (MANE Select); coding-DNA position 1106, T replaced by C.
Protein change: p.Leu369Pro; replaces leucine 369 with proline.
Molecular consequence: missense variant.
Genome position (GRCh38, 1-based): chr10:112,168,313, A>G on the plus strand (T>C on the coding strand, the complement: GPAM is on the minus strand). VCF-style: chr10-112168313-A-G. GRCh37 (hg19) VCF-style: chr10-113928071-A-G.
Other names: c.1106T>C, p.Leu369Pro (NM_020918.6); short protein forms L369P.
Identifiers: ClinVar variation 4534617 (VCV004534617.6).